The following is an entry in ClinVar:

NM_001005361.3(DNM2):c.2176T>C (p.Tyr726His)

Gene: DNM2 (dynamin 2; plus strand). Cytogenetic location: 19p13.2.
Variant type: single nucleotide variant.
Coding change: c.2176T>C on transcript NM_001005361.3 (MANE Select); coding-DNA position 2176, T replaced by C.
Protein change: p.Tyr726His; replaces tyrosine 726 with histidine.
Molecular consequence: missense variant.
Genome position (GRCh38, 1-based): chr19:10,829,153, T>C. VCF-style: chr19-10829153-T-C. GRCh37 (hg19) VCF-style: chr19-10939829-T-C.
Other names: c.2176T>C (NM_001005360.2); c.2176T>C, p.Tyr726His (NM_001005360.3, NM_001190716.2); c.2164T>C, p.Tyr722His (NM_001005362.3, NM_004945.4); short protein forms Y722H, Y726H.
Identifiers: ClinVar variation 1472768 (VCV001472768.13), dbSNP rs370459176, ClinGen allele CA9201541.

ClinVar aggregate classification (germline): Conflicting classifications of pathogenicity. Review status: criteria provided, conflicting classifications (1 of 4 stars). 4 submissions from 4 submitters: Uncertain significance (2); Likely benign (2). Last evaluated 2025-08-13.

Conditions:
Inborn genetic diseases. Identifiers: MedGen C0950123, MeSH D030342.
Charcot-Marie-Tooth disease dominant intermediate B (CMTDIB). Also called: Charcot-Marie-Tooth disease dominant intermediate 1; CMT DI1; Charcot-Marie-Tooth disease dominant intermediate I; CHARCOT-MARIE-TOOTH NEUROPATHY, DOMINANT INTERMEDIATE B. Identifiers: Orphanet 100044, Orphanet 228179, MedGen C1847902, MONDO:0011674, OMIM 606482.

Allele frequency attached by ClinVar (database versions not stated): gnomAD exomes 0.00001 and 0.00003; ExAC 0.00002; gnomAD 0.00006 and 0.00009; TOPMed 0.00009; ESP Exome Variant Server 0.00023.
gnomAD v4.1: 31 of 1,613,866 alleles (0.0019%); highest among the groups gnomAD compares: African/African-American, 0.04%; no homozygotes.

Submissions (4):

GeneDx
Classification: Uncertain significance. Last evaluated: 2025-08-13. Review status: criteria provided, single submitter. Criteria: GeneDx Variant Classification Process June 2021. Collection method: clinical testing. Allele origin: germline. Affected: yes.
Comment: In silico analysis supports that this missense variant has a deleterious effect on protein structure/function; Has not been previously published as pathogenic or benign to our knowledge; This variant is associated with the following publications: (PMID: 16227997)

Labcorp Genetics (formerly Invitae), Labcorp
Classification: Likely benign for Charcot-Marie-Tooth disease dominant intermediate B. Last evaluated: 2024-01-10. Review status: criteria provided, single submitter. Criteria: Invitae Variant Classification Sherloc (09022015). Collection method: clinical testing. Allele origin: germline.

Ambry Genetics
Classification: Likely benign for Inborn genetic diseases. Last evaluated: 2022-04-27. Review status: criteria provided, single submitter. Criteria: Ambry Variant Classification Scheme 2023. Collection method: clinical testing. Allele origin: germline.

Revvity Omics, Revvity
Classification: Uncertain significance. Last evaluated: 2021-02-16. Review status: criteria provided, single submitter. Criteria: ACMG Guidelines, 2015. Collection method: clinical testing. Allele origin: germline.